The following is an entry in ClinVar:

NM_000891.3(KCNJ2):c.478A>G (p.Met160Val)

Gene: KCNJ2 (potassium inwardly rectifying channel subfamily J member 2; plus strand). Cytogenetic location: 17q24.3.
Variant type: single nucleotide variant.
Coding change: c.478A>G on transcript NM_000891.3 (MANE Select); coding-DNA position 478, A replaced by G.
Protein change: p.Met160Val; replaces methionine 160 with valine.
Molecular consequence: missense variant.
Genome position (GRCh38, 1-based): chr17:70,175,517, A>G. VCF-style: chr17-70175517-A-G. GRCh37 (hg19) VCF-style: chr17-68171658-A-G.
Other names: short protein forms M160V.
Identifiers: ClinVar variation 2927351 (VCV002927351.3), dbSNP rs1183624780, ClinGen allele CA400860683.

ClinVar aggregate classification (germline): Uncertain significance (1 of 4 stars; one submission).

Conditions:
Andersen Tawil syndrome (LQT7). Also called: Potassium-sensitive periodic paralysis, ventricular ectopy, and dysmorphic features; ANDERSEN CARDIODYSRHYTHMIC PERIODIC PARALYSIS; LONG QT SYNDROME 7; PERIODIC PARALYSIS, POTASSIUM-SENSITIVE CARDIODYSRHYTHMIC TYPE; Andersen Syndrome. Identifiers: Orphanet 37553, MedGen C1563715, MONDO:0008222, OMIM 170390.
Short QT syndrome type 3. Identifiers: Orphanet 51083, MedGen C1865018, MONDO:0012314, OMIM 609622.

Allele frequency attached by ClinVar (database versions not stated): TOPMed below 0.00001; gnomAD 0.00001.

Submission:

Labcorp Genetics (formerly Invitae), Labcorp
Classification: Uncertain significance for Short QT syndrome type 3; Andersen Tawil syndrome. Last evaluated: 2023-06-09. Review status: criteria provided, single submitter. Criteria: Invitae Variant Classification Sherloc (09022015). Collection method: clinical testing. Allele origin: germline.
Comment: In summary, the available evidence is currently insufficient to determine the role of this variant in disease. Therefore, it has been classified as a Variant of Uncertain Significance. Advanced modeling of protein sequence and biophysical properties (such as structural, functional, and spatial information, amino acid conservation, physicochemical variation, residue mobility, and thermodynamic stability) performed at Invitae indicates that this missense variant is not expected to disrupt KCNJ2 protein function. This variant has not been reported in the literature in individuals affected with KCNJ2-related conditions. This variant is not present in population databases (gnomAD no frequency). This sequence change replaces methionine, which is neutral and non-polar, with valine, which is neutral and non-polar, at codon 160 of the KCNJ2 protein (p.Met160Val).